The following is an entry in ClinVar:

ClinVar aggregate classification (germline): Likely benign. Review status: criteria provided, single submitter (1 of 4 stars). 2 submissions from 2 submitters: Likely benign (1). 1 of the submissions does not count toward it. Last evaluated 2025-12-15.

Conditions:
BICC1-related disorder. Also called: BICC1-related condition.

Allele frequency attached by ClinVar (database versions not stated): ESP Exome Variant Server 0.00008; gnomAD 0.00017; gnomAD exomes 0.00024; ExAC 0.00033; 1000 Genomes Project 0.00060; 1000 Genomes Project 30x 0.00047; TOPMed 0.00016.
gnomAD v4.1: 371 of 1,614,114 alleles (0.023%); highest among the groups gnomAD compares: South Asian, 0.15%; 4 homozygotes.

Submissions (2):

Labcorp Genetics (formerly Invitae), Labcorp
Classification: Likely benign. Last evaluated: 2025-12-15. Review status: criteria provided, single submitter. Criteria: Invitae Variant Classification Sherloc (09022015). Collection method: clinical testing. Allele origin: germline.

PreventionGenetics, part of Exact Sciences
Classification: Likely benign for BICC1-related condition. Last evaluated: 2024-07-17. Review status: no assertion criteria provided. Collection method: clinical testing. Allele origin: germline. Not counted in ClinVar's aggregate classification.
Comment: This variant is classified as likely benign based on ACMG/AMP sequence variant interpretation guidelines (Richards et al. 2015 PMID: 25741868, with internal and published modifications).

NM_001080512.3(BICC1):c.1245C>T (p.Leu415=)

Gene: BICC1 (BicC family RNA binding protein 1; plus strand). Cytogenetic location: 10q21.1.
Variant type: single nucleotide variant.
Coding change: c.1245C>T on transcript NM_001080512.3 (MANE Select); coding-DNA position 1245, C replaced by T.
Protein change: p.Leu415=; no amino-acid change (leucine 415 retained).
Molecular consequence: synonymous variant.
Genome position (GRCh38, 1-based): chr10:58,796,405, C>T. VCF-style: chr10-58796405-C-T. GRCh37 (hg19) VCF-style: chr10-60556165-C-T.
Other names: c.1245C>T (NM_001080512.2).
Identifiers: ClinVar variation 2843128 (VCV002843128.5), dbSNP rs372910652, ClinGen allele CA5508449.
Genomic context (GRCh38, chr10:58,796,405, plus strand): 5'-GATTGTGAAAAGTGTTGAGCGAAATGCCTTAAATATGTATGAAGCAAGGAAATGTCTCCT[C>T]GGACTTGAAAGCAGTGGGGTTACCATAGCAACCAGTCCATCCCCAGCATCCTGCCCTGCC-3'
Protein context (NP_001073981.1, residues 405-425): LNMYEARKCL[Leu415=]GLESSGVTIA